The following is an entry in ClinVar:

ClinVar aggregate classification (germline): Uncertain significance (1 of 4 stars; one submission).

Conditions:
Glycogen storage disease, type II (IOPD). Also called: Glucosidase acid-1,4-alpha deficiency; Pompe Disease; GLYCOGENOSIS, GENERALIZED, CARDIAC FORM; GSD II; POMPE DISEASE, INFANTILE-ONSET; GLYCOGEN STORAGE DISEASE II, INFANTILE-ONSET. Identifiers: Orphanet 365, MedGen C0017921, MONDO:0009290, OMIM 232300.

Submission:

Labcorp Genetics (formerly Invitae), Labcorp
Classification: Uncertain significance for Glycogen storage disease, type II. Last evaluated: 2023-04-30. Review status: criteria provided, single submitter. Criteria: Invitae Variant Classification Sherloc (09022015). Collection method: clinical testing. Allele origin: germline.
Comment: In summary, the available evidence is currently insufficient to determine the role of this variant in disease. Therefore, it has been classified as a Variant of Uncertain Significance. Advanced modeling of protein sequence and biophysical properties (such as structural, functional, and spatial information, amino acid conservation, physicochemical variation, residue mobility, and thermodynamic stability) performed at Invitae indicates that this missense variant is expected to disrupt GAA protein function. This variant has not been reported in the literature in individuals affected with GAA-related conditions. This variant is not present in population databases (gnomAD no frequency). This sequence change replaces tryptophan, which is neutral and slightly polar, with arginine, which is basic and polar, at codon 516 of the GAA protein (p.Trp516Arg).

NM_000152.5(GAA):c.1546T>C (p.Trp516Arg)

Gene: GAA (alpha glucosidase; plus strand). Cytogenetic location: 17q25.3.
Variant type: single nucleotide variant.
Coding change: c.1546T>C on transcript NM_000152.5 (MANE Select); coding-DNA position 1546, T replaced by C.
Protein change: p.Trp516Arg; replaces tryptophan 516 with arginine.
Molecular consequence: missense variant.
Genome position (GRCh38, 1-based): chr17:80,110,835, T>C. VCF-style: chr17-80110835-T-C. GRCh37 (hg19) VCF-style: chr17-78084634-T-C.
Other names: c.1546T>C, p.Trp516Arg (NM_001079803.3, NM_001079804.3, NM_001406741.1 and 1 more transcripts); short protein forms W516R.
Identifiers: ClinVar variation 2860705 (VCV002860705.3), dbSNP rs2510374194, ClinGen allele CA401367153.
Genomic context (GRCh38, chr17:80,110,835, plus strand): 5'-CTGGCCTGGTGGGAGGACATGGTGGCTGAGTTCCATGACCAGGTGCCCTTCGACGGCATG[T>C]GGATTGTAAGTGTGGCCCCCTCCTGAGCATCCCCAAGGCCTCTGGGGACTACCCCACCCT-3'
Protein context (NP_000143.2, residues 506-526): FHDQVPFDGM[Trp516Arg]IDMNEPSNFI